The following is an entry in ClinVar:

ClinVar aggregate classification (germline): Uncertain significance (1 of 4 stars; one submission).

Conditions:
RASA2-related disorder. Also called: RASA2-related condition.

Submission:

PreventionGenetics, part of Exact Sciences
Classification: Uncertain significance for RASA2-related condition. Last evaluated: 2023-07-17. Review status: criteria provided, single submitter. Criteria: ACMG Guidelines, 2015. Collection method: clinical testing. Allele origin: germline.
Comment: The RASA2 c.611+1G>T variant is predicted to disrupt the GT donor site and interfere with normal splicing. To our knowledge, this variant has not been reported in the literature or in a large population database, indicating this variant is rare. At this time, the clinical significance of this variant is uncertain due to the absence of conclusive functional and genetic evidence.

NM_006506.5(RASA2):c.611+1G>T

Gene: RASA2 (RAS p21 protein activator 2; plus strand). Cytogenetic location: 3q23.
Variant type: single nucleotide variant.
Coding change: c.611+1G>T on transcript NM_006506.5 (MANE Select); the canonical splice donor site of the intron after coding-DNA position 611, G replaced by T.
Molecular consequence: splice donor variant.
Genome position (GRCh38, 1-based): chr3:141,553,941, G>T. VCF-style: chr3-141553941-G-T. GRCh37 (hg19) VCF-style: chr3-141272783-G-T.
Other names: c.611+1G>T (NM_001303245.3, NM_001303246.3).
Identifiers: ClinVar variation 2631214 (VCV002631214.1), dbSNP rs2478632869, ClinGen allele CA354772582.